The following is an entry in ClinVar:

ClinVar aggregate classification (germline): Uncertain significance (1 of 4 stars; one submission).

Submission:

Ambry Genetics
Classification: Uncertain significance. Last evaluated: 2025-02-24. Review status: criteria provided, single submitter. Criteria: Ambry Variant Classification Scheme 2023. Collection method: clinical testing. Allele origin: germline.
Comment: The p.P1443S variant (also known as c.4327C>T), located in coding exon 19 of the WNK2 gene, results from a C to T substitution at nucleotide position 4327. The proline at codon 1443 is replaced by serine, an amino acid with similar properties. This amino acid position is conserved. In addition, this alteration is predicted to be tolerated by in silico analysis. Based on the available evidence, the clinical significance of this variant remains unclear.

NM_006648.4(WNK2):c.4327C>T (p.Pro1443Ser)

Gene: WNK2 (WNK lysine deficient protein kinase 2; plus strand). Cytogenetic location: 9q22.31.
Variant type: single nucleotide variant.
Coding change: c.4327C>T on transcript NM_006648.4 (MANE Select); coding-DNA position 4327, C replaced by T.
Protein change: p.Pro1443Ser; replaces proline 1443 with serine.
Molecular consequence: missense variant.
Genome position (GRCh38, 1-based): chr9:93,289,081, C>T. VCF-style: chr9-93289081-C-T. GRCh37 (hg19) VCF-style: chr9-96051363-C-T.
Other names: c.4438C>T, p.Pro1480Ser (NM_001282394.3); short protein forms P1480S, P1443S.
Identifiers: ClinVar variation 3817152 (VCV003817152.1).